The following is an entry in ClinVar:

ClinVar aggregate classification (germline): Benign (0 of 4 stars; one submission).

Conditions:
MDN1-related disorder. Also called: MDN1-related condition.

Allele frequency attached by ClinVar (database versions not stated): 1000 Genomes Project 0.15375; ExAC 0.17316; gnomAD exomes 0.17364; TOPMed 0.14086; gnomAD 0.14405; ESP Exome Variant Server 0.14847; 1000 Genomes Project 30x 0.15272.
gnomAD v4.1: 275,713 of 1,613,082 alleles (17%); highest among the groups gnomAD compares: South Asian, 29%; 25,340 homozygotes.

Submission:

PreventionGenetics, part of Exact Sciences
Classification: Benign for MDN1-related condition. Last evaluated: 2019-10-23. Review status: no assertion criteria provided. Collection method: clinical testing. Allele origin: germline.
Comment: This variant is classified as benign based on ACMG/AMP sequence variant interpretation guidelines (Richards et al. 2015 PMID: 25741868, with internal and published modifications).

NM_014611.3(MDN1):c.9163T>C (p.Leu3055=)

Gene: MDN1 (midasin AAA ATPase 1; minus strand). Cytogenetic location: 6q15.
Variant type: single nucleotide variant.
Coding change: c.9163T>C on transcript NM_014611.3 (MANE Select); coding-DNA position 9163, T replaced by C.
Protein change: p.Leu3055=; no amino-acid change (leucine 3055 retained).
Molecular consequence: synonymous variant.
Genome position (GRCh38, 1-based): chr6:89,698,870, A>G on the plus strand (T>C on the coding strand, the complement: MDN1 is on the minus strand). VCF-style: chr6-89698870-A-G. GRCh37 (hg19) VCF-style: chr6-90408589-A-G.
Identifiers: ClinVar variation 3060626 (VCV003060626.2), dbSNP rs3736984, ClinGen allele CA3923850.